The following is an entry in ClinVar:

NM_001099289.3(SH3RF3):c.2273G>T (p.Gly758Val)

Genes: RANBP2 (RAN binding protein 2; plus strand), SH3RF3 (SH3 domain containing ring finger 3; plus strand). Cytogenetic location: 2q13.
Variant type: single nucleotide variant.
Coding change: c.2273G>T on transcript NM_001099289.3 (MANE Select); coding-DNA position 2273, G replaced by T.
Protein change: p.Gly758Val; replaces glycine 758 with valine.
Molecular consequence: missense variant.
Genome position (GRCh38, 1-based): chr2:109,490,729, G>T. VCF-style: chr2-109490729-G-T. GRCh37 (hg19) VCF-style: chr2-110107185-G-T.
Other names: short protein forms G758V.
Identifiers: ClinVar variation 4164358 (VCV004164358.1).
Genomic context (GRCh38, chr2:109,490,729, plus strand): 5'-CCCCGCCATCTGTGTCTCCAACCCACGACCCCCAGGTGGCCGTGGACGCCCTGCTCCAAG[G>T]TGCAGTGGGCCCCGAAGTGTCCTCACTGTCCATCCACGGCAGGGCAGGGTCCTGCCCCAT-3'
Protein context (NP_001092759.1, residues 748-768): PQVAVDALLQ[Gly758Val]AVGPEVSSLS

ClinVar aggregate classification (germline): Uncertain significance (1 of 4 stars; one submission).

gnomAD v4.1: 67 of 1,535,906 alleles (0.0044%); highest among the groups gnomAD compares: Non-Finnish European, 0.0055%; no homozygotes.

Submission:

Ambry Genetics
Classification: Uncertain significance. Last evaluated: 2025-06-23. Review status: criteria provided, single submitter. Criteria: Ambry Variant Classification Scheme 2023. Collection method: clinical testing. Allele origin: germline.
Comment: The c.2273G>T (p.G758V) alteration is located in exon (coding exon ) of the SH3RF3 gene. This alteration results from a G to T substitution at nucleotide position 2273, causing the glycine (G) at amino acid position 758 to be replaced by a valine (V). Based on insufficient or conflicting evidence, the clinical significance of this alteration remains unclear.